The following is an entry in ClinVar:

ClinVar aggregate classification (germline): Pathogenic/Likely pathogenic. Review status: criteria provided, multiple submitters, no conflicts (2 of 4 stars). 19 submissions from 19 submitters: Pathogenic (6); Likely pathogenic (7). 6 of the submissions do not count toward it. Last evaluated 2026-08-10.

Conditions:
Autosomal dominant CACNA1A-related disorders.
Episodic ataxia type 2 (EA2). Also called: ACETAZOLAMIDE-RESPONSIVE HEREDITARY PAROXYSMAL CEREBELLAR ATAXIA; ATAXIA, EPISODIC, WITH NYSTAGMUS; ATAXIA, FAMILIAL PAROXYSMAL; CEREBELLAR ATAXIA, PAROXYSMAL, ACETAZOLAMIDE-RESPONSIVE; CEREBELLOPATHY, HEREDITARY PAROXYSMAL; EPISODIC ATAXIA, NYSTAGMUS-ASSOCIATED. Identifiers: Orphanet 97, MedGen C1720416, MONDO:0007163, OMIM 108500.
Developmental and epileptic encephalopathy, 42 (DEE42A). Also called: Epileptic encephalopathy, early infantile, 42; DEVELOPMENTAL AND EPILEPTIC ENCEPHALOPATHY 42A; EPILEPTIC ENCEPHALOPATHY, EARLY INFANTILE, 42A. Identifiers: MedGen C4310716, MONDO:0014917, OMIM 617106.
CACNA1A-related disorder. Also called: CACNA1A-related condition.
Inborn genetic diseases. Identifiers: MedGen C0950123, MeSH D030342.
Spinocerebellar ataxia type 6 (SCA6). Identifiers: Orphanet 98758, MedGen C0752124, MONDO:0008457, OMIM 183086.

Allele frequency attached by ClinVar (database versions not stated): gnomAD exomes below 0.00001.
gnomAD v4.1: 4 of 1,613,570 alleles (0.00025%); highest among the groups gnomAD compares: Non-Finnish European, 0.00025%; no homozygotes.

Submissions (19):

Ambry Genetics
Classification: Likely pathogenic for Inborn genetic diseases. Last evaluated: 2026-08-10. Review status: criteria provided, single submitter. Criteria: Ambry Variant Classification Scheme 2023. Collection method: clinical testing. Allele origin: germline.
Comment: The c.4982G>A (p.R1661H) alteration is located in exon 32 (coding exon 32) of the CACNA1A gene. This alteration results from a G to A substitution at nucleotide position 4982, causing the arginine (R) at amino acid position 1661 to be replaced by a histidine (H). for CACNA1A-related neurologic disorder; however, it is unlikely to be causative of CACNA1A-related spinocerebellar ataxia. This variant was not reported in population-based cohorts in the Genome Aggregation Database (gnomAD). This variant, also reported as Arg1666His and R1660H, was reported in individual(s) with features consistent with CACNA1A-related neurologic disorder; (Friend, 1999; Hadjivassiliou, 2017; Coutelier, 2018; Ek, 2023; Nakhleh Francis, 2023) and segregated with disease in at least one family (Friend, 1999). Other variant(s) at the same codon, c.4981C>T (p.R1661C), have been identified in individual(s) with features consistent with CACNA1A-related neurologic disorder (Estiar, 2021). This amino acid position is highly conserved in available vertebrate species. This missense variant is located in a region that has a low rate of benign missense variation (Lek, 2016; Firth, 2009). This alteration is predicted to be deleterious by in silico analysis. Based on the available evidence, this alteration is classified as likely pathogenic.

CeGaT Center for Human Genetics Tuebingen
Classification: Pathogenic. Last evaluated: 2026-04-01. Review status: criteria provided, single submitter. Criteria: CeGaT Center For Human Genetics Tuebingen Variant Classification Criteria Version 2. Collection method: clinical testing. Allele origin: germline. Affected: yes. Observed: 5 variant alleles.
Comment: CACNA1A: PP1:Strong, PM1, PM2, PS4:Moderate, PP2

Clinical Genetics Laboratory, University Hospital Schleswig-Holstein
Classification: Pathogenic for Developmental and epileptic encephalopathy, 42. Last evaluated: 2025-11-04. Review status: criteria provided, single submitter. Criteria: ACMG Guidelines, 2015. Collection method: clinical testing. Allele origin: germline. Affected: yes. Observed: 1 heterozygote.
Comment: ACMG criteria applied: PM2_Supporting, PS4, PP3, PP2, PM1_Supporting, PP1_Moderate, PP4

Variantyx, Inc.
Classification: Likely pathogenic for Autosomal dominant CACNA1A-related disorders. Last evaluated: 2025-09-30. Review status: criteria provided, single submitter. Criteria: Variantyx Assertion Criteria 2022. Collection method: clinical testing. Allele origin: germline. Inheritance: Autosomal dominant inheritance. Affected: yes.
Comment: This is a nonsynonymous variant in the CACNA1A gene (OMIM: 601011). Pathogenic variants in this gene have been associated with autosomal dominant CACNA1A-related disorders. This variant has been reported in at least 4 unrelated affected individuals (PMID: 10987655, 26814174, 28444220, 29482223) (PS4_Moderate) and it has been observed to segregate with disease in at least 6 individuals from one family (PMID: 10987655) (PP1_Moderate). The variant lies within a known hotspot for pathogenic variants or a well-established critical functional domain of the CACNA1A protein (PM1), and multiple computational algorithms predict a deleterious effect for this variant (REVEL score: 0.911) (PP3). This variant has a 0.0003% maximum allele frequency in non-founder control populations (PM2). Based on the current evidence, this variant is classified as likely pathogenic for autosomal dominant CACNA1A-related disorders.

GeneDx
Classification: Pathogenic. Last evaluated: 2025-03-20. Review status: criteria provided, single submitter. Criteria: GeneDx Variant Classification Process June 2021. Collection method: clinical testing. Allele origin: germline. Affected: yes.
Comment: Not observed at significant frequency in large population cohorts (gnomAD); In silico analysis supports that this missense variant has a deleterious effect on protein structure/function; This variant is associated with the following publications: (PMID: 16325861, 11179022, 37273706, 11814735, 26814174, 28742085, 34507393, 29482223, 34758253, 35401678, 34806130, 10987655)

Labcorp Genetics (formerly Invitae), Labcorp
Classification: Pathogenic for Developmental and epileptic encephalopathy, 42; Episodic ataxia type 2. Last evaluated: 2024-12-12. Review status: criteria provided, single submitter. Criteria: Invitae Variant Classification Sherloc (09022015). Collection method: clinical testing. Allele origin: germline.
Comment: This sequence change replaces arginine, which is basic and polar, with histidine, which is basic and polar, at codon 1661 of the CACNA1A protein (p.Arg1661His). This variant is not present in population databases (gnomAD no frequency). This missense change has been observed in individual(s) with clinical features of, or diagnosis of, episodic ataxia (PMID: 10987655, 29482223). It has also been observed to segregate with disease in related individuals. This variant is also known as Arg1666His. ClinVar contains an entry for this variant (Variation ID: 8495). Invitae Evidence Modeling of protein sequence and biophysical properties (such as structural, functional, and spatial information, amino acid conservation, physicochemical variation, residue mobility, and thermodynamic stability) indicates that this missense variant is expected to disrupt CACNA1A protein function with a positive predictive value of 95%. For these reasons, this variant has been classified as Pathogenic.

Athena Diagnostics
Classification: Pathogenic. Last evaluated: 2024-10-29. Review status: criteria provided, single submitter. Criteria: Athena Diagnostics Criteria. Collection method: clinical testing. Allele origin: unknown.
Comment: This variant has not been reported in large, multi-ethnic general populations. This variant segregates with episodic ataxia in at least one family and has been identified in multiple unrelated individuals with cerebellar ataxia. In some published literature, this variant is referred to as Arg1666His, Arg1660His or Arg1661His. Computational tools predict that this variant is damaging.

Mayo Clinic Laboratories, Mayo Clinic
Classification: Likely pathogenic. Last evaluated: 2024-10-15. Review status: criteria provided, single submitter. Criteria: ACMG Guidelines, 2015. Collection method: clinical testing. Allele origin: germline. Observed: 2 variant alleles.
Comment: PP2, PP3, PM2_moderate, PS4_moderate

Blueprint Genetics
Classification: Likely pathogenic for CACNA1A-related disorders. Last evaluated: 2024-07-16. Review status: criteria provided, single submitter. Criteria: ACMG Guidelines, 2015. Collection method: clinical testing. Allele origin: germline. Affected: yes. Observed: 4 variant alleles.

Genetic Services Laboratory, University of Chicago
Classification: Likely pathogenic. Last evaluated: 2021-02-16. Review status: criteria provided, single submitter. Criteria: ACMG Guidelines, 2015. Collection method: clinical testing. Allele origin: germline. Affected: yes.
Comment: DNA sequence analysis of the CACNA1A gene demonstrated a sequence change, c.4982G>A, in exon 32 that results in an amino acid change, p.Arg1661His. This sequence change has not been described in the gnomAD general population database. This sequence change has been described in a family with episodic ataxia type 2 and familial hemiplegic migraine, and was shown to co-segregate with the disease phenotype (PMID: 10987655). The p.Arg1661His change affects a highly conserved amino acid residue located in the S4 transmembrane segment of domain IV of the CACNA1A protein. It appears to be deleterious using several in-silico pathogenicity prediction tools (SIFT, PolyPhen2, Align GVGD, REVEL). Collectively these evidences suggests this p.Arg1661His variant is likely pathogenic, however functional studies have not been performed to prove this conclusively.

Institute of Medical Genetics and Applied Genomics, University Hospital Tübingen
Classification: Pathogenic. Last evaluated: 2021-02-01. Review status: criteria provided, single submitter. Criteria: ACMG Guidelines, 2015. Collection method: clinical testing. Allele origin: germline. Inheritance: Autosomal dominant inheritance. Affected: yes.

HudsonAlpha Institute for Biotechnology
Classification: Likely pathogenic for Episodic ataxia type 2. Last evaluated: 2018-10-23. Review status: criteria provided, single submitter. Criteria: ACMG Guidelines, 2015. Collection method: research. Allele origin: maternal. Affected: yes. Observed: 1 variant allele. Study: AGHI-WGS-HudsonAlpha.

Genomics England Pilot Project, Genomics England
Classification: Likely pathogenic for Spinocerebellar ataxia type 6. Review status: criteria provided, single submitter. Criteria: ACGS Guidelines, 2016. Collection method: clinical testing. Allele origin: germline. Affected: yes.

O&I group, Department of Genetics, University Medical Center of Groningen
Classification: Likely pathogenic for Spinocerebellar ataxia type 6. Last evaluated: 2021-07-22. Review status: no assertion criteria provided. Collection method: research. Allele origin: unknown. Affected: yes. Not counted in ClinVar's aggregate classification.

OMIM
Classification: Pathogenic for EPISODIC ATAXIA, TYPE 2. Last evaluated: 1999-09-01. Review status: no assertion criteria provided. Collection method: literature only. Allele origin: germline. Not counted in ClinVar's aggregate classification.

Genome Diagnostics Laboratory, Amsterdam University Medical Center
Classification: Pathogenic. Review status: no assertion criteria provided. Collection method: clinical testing. Allele origin: germline. Affected: yes. Study: VKGL Data-share Consensus. Not counted in ClinVar's aggregate classification.

Genome Diagnostics Laboratory, University Medical Center Utrecht
Classification: Pathogenic. Review status: no assertion criteria provided. Collection method: clinical testing. Allele origin: germline. Affected: yes. Study: VKGL Data-share Consensus. Not counted in ClinVar's aggregate classification.

Joint Genome Diagnostic Labs from Nijmegen and Maastricht, Radboudumc and MUMC+
Classification: Likely pathogenic. Review status: no assertion criteria provided. Collection method: clinical testing. Allele origin: germline. Affected: yes. Study: VKGL Data-share Consensus. Not counted in ClinVar's aggregate classification.

UniProtKB/Swiss-Prot
No classification provided. Condition: Episodic ataxia type 2. Review status: no classification provided. Collection method: not provided. Allele origin: unknown. Not counted in ClinVar's aggregate classification.
Comment: Variant designated as R1666H in original source PubMed 10987655

Literature cited by the submitters: PubMed 10987655 (cited by 6 submitters); PubMed 27965395 (cited by Ambry Genetics); PubMed 29482223 (cited by 5 submitters); PubMed 33598982 (cited by Ambry Genetics); PubMed 37273706 (cited by Ambry Genetics and Athena Diagnostics); PubMed 39669259 (cited by Ambry Genetics); PubMed 26814174 (cited by 3 submitters); PubMed 28444220 (cited by 3 submitters); PubMed 34806130 (cited by Athena Diagnostics and Mayo Clinic Laboratories, Mayo Clinic); PubMed 34758253 (cited by Athena Diagnostics); PubMed 35401678 (cited by Athena Diagnostics and Mayo Clinic Laboratories, Mayo Clinic); PubMed 28978442 (cited by Athena Diagnostics); PubMed 16325861 (cited by Mayo Clinic Laboratories, Mayo Clinic); PubMed 28742085 (cited by Mayo Clinic Laboratories, Mayo Clinic); PubMed 34507393 (cited by Mayo Clinic Laboratories, Mayo Clinic); DOI 10.3389/fgene.2022.782685 (cited by O&I group, Department of Genetics, University Medical Center of Groningen).

NM_001127222.2(CACNA1A):c.4979G>A (p.Arg1660His)

Gene: CACNA1A (calcium voltage-gated channel subunit alpha1 A; minus strand). Cytogenetic location: 19p13.13.
Variant type: single nucleotide variant.
Coding change: c.4979G>A on transcript NM_001127222.2 (MANE Select); coding-DNA position 4979, G replaced by A.
Protein change: p.Arg1660His; replaces arginine 1660 with histidine.
Molecular consequence: missense variant.
Genome position (GRCh38, 1-based): chr19:13,235,702, C>T on the plus strand (G>A on the coding strand, the complement: CACNA1A is on the minus strand). VCF-style: chr19-13235702-C-T. GRCh37 (hg19) VCF-style: chr19-13346516-C-T.
Other names: c.4997G>A, p.Arg1666His (NM_000068.4, NM_023035.3); c.4982G>A, p.Arg1661His (NM_001127221.2); c.4988G>A, p.Arg1663His (NM_001174080.2); c.4997G>A (NM_023035.2); short protein forms R1666H, R1660H, R1661H, R1663H.
Identifiers: ClinVar variation 8495 (VCV000008495.89), dbSNP rs121908216, ClinGen allele CA254430.